The following is an entry in ClinVar:

ClinVar aggregate classification (germline): Uncertain significance (1 of 4 stars; one submission).

Submission:

Labcorp Genetics (formerly Invitae), Labcorp
Classification: Uncertain significance. Last evaluated: 2022-04-24. Review status: criteria provided, single submitter. Criteria: Invitae Variant Classification Sherloc (09022015). Collection method: clinical testing. Allele origin: germline.
Comment: In summary, the available evidence is currently insufficient to determine the role of this variant in disease. Therefore, it has been classified as a Variant of Uncertain Significance. Algorithms developed to predict the effect of missense changes on protein structure and function are either unavailable or do not agree on the potential impact of this missense change (SIFT: "Deleterious"; PolyPhen-2: "Probably Damaging"; Align-GVGD: "Class C0"). This variant has not been reported in the literature in individuals affected with P3H2-related conditions. This variant is not present in population databases (gnomAD no frequency). This sequence change replaces aspartic acid, which is acidic and polar, with asparagine, which is neutral and polar, at codon 468 of the P3H2 protein (p.Asp468Asn).

NM_018192.4(P3H2):c.1402G>A (p.Asp468Asn)

Gene: P3H2 (prolyl 3-hydroxylase 2; minus strand). Cytogenetic location: 3q28.
Variant type: single nucleotide variant.
Coding change: c.1402G>A on transcript NM_018192.4 (MANE Select); coding-DNA position 1402, G replaced by A.
Protein change: p.Asp468Asn; replaces aspartic acid 468 with asparagine.
Molecular consequence: missense variant.
Genome position (GRCh38, 1-based): chr3:189,974,608, C>T on the plus strand (G>A on the coding strand, the complement: P3H2 is on the minus strand). VCF-style: chr3-189974608-C-T. GRCh37 (hg19) VCF-style: chr3-189692397-C-T.
Other names: c.859G>A, p.Asp287Asn (NM_001134418.2); short protein forms D287N, D468N.
Identifiers: ClinVar variation 1928870 (VCV001928870.5), dbSNP rs567776562, ClinGen allele CA355754064.